The following is an entry in ClinVar:

NM_173660.5(DOK7):c.753G>T (p.Ala251=)

Genes: DOK7 (docking protein 7; plus strand), LOC129992118 (ATAC-STARR-seq lymphoblastoid silent region 15206; plus strand). Cytogenetic location: 4p16.3.
Variant type: single nucleotide variant.
Coding change: c.753G>T on transcript NM_173660.5 (MANE Select); coding-DNA position 753, G replaced by T.
Protein change: p.Ala251=; no amino-acid change (alanine 251 retained).
Molecular consequence: synonymous variant. On other transcripts: missense variant (1), 5 prime UTR variant (1).
Genome position (GRCh38, 1-based): chr4:3,489,777, G>T. VCF-style: chr4-3489777-G-T. GRCh37 (hg19) VCF-style: chr4-3491504-G-T.
Other names: c.753G>T (NM_173660.4); c.742G>T, p.Gly248Trp (NM_001164673.2); c.-178G>T (NM_001256896.2); c.753G>T, p.Ala251= (NM_001301071.2); c.321G>T, p.Ala107= (NM_001363811.2); c.742G>T (NM_001164673.1); short protein forms G248W.
Identifiers: ClinVar variation 2934861 (VCV002934861.5), dbSNP rs59932476, ClinGen allele CA356115734.
Genomic context (GRCh38, chr4:3,489,777, plus strand): 5'-GGCCCAGGAAGCCCTGGAAACCCTACAGCTGGAGAAGCGGCTGAGCCTCCTCTCACATGC[G>T]GGCAGGCCGGGCAGTGGAGGTAGGGCCGGGGGCTGACCTGGGCTGTGGGACCTCGGCTAA-3'
Protein context (NP_775931.3, residues 241-261): LEKRLSLLSH[Ala251=]GRPGSGGDDR

ClinVar aggregate classification (germline): Likely benign. Review status: criteria provided, multiple submitters, no conflicts (2 of 4 stars). 3 submissions from 3 submitters: Likely benign (2). 1 of the submissions does not count toward it. Last evaluated 2025-08-27.

Conditions:
Fetal akinesia deformation sequence 1 (FADS1). Also called: Fetal akinesia sequence; Pena-Shokeir syndrome type I. Identifiers: Orphanet 994, MedGen C1276035, MONDO:0100101, OMIM 208150, HP:0001989.
Congenital myasthenic syndrome 10. Also called: Myasthenia, limb-girdle, familial. Identifiers: Orphanet 590, MedGen C1850792, MONDO:0009690, OMIM 254300.
Inborn genetic diseases. Identifiers: MedGen C0950123, MeSH D030342.
DOK7-related disorder. Also called: DOK7-related condition.

gnomAD v4.1: 3 of 1,572,812 alleles (0.00019%); highest among the groups gnomAD compares: South Asian, 0.0012%; no homozygotes.

Submissions (3):

Ambry Genetics
Classification: Likely benign for Inborn genetic diseases. Last evaluated: 2025-08-27. Review status: criteria provided, single submitter. Criteria: Ambry Variant Classification Scheme 2023. Collection method: clinical testing. Allele origin: germline.

Labcorp Genetics (formerly Invitae), Labcorp
Classification: Likely benign for Congenital myasthenic syndrome 10; Fetal akinesia deformation sequence 1. Last evaluated: 2023-01-16. Review status: criteria provided, single submitter. Criteria: Invitae Variant Classification Sherloc (09022015). Collection method: clinical testing. Allele origin: germline.

PreventionGenetics, part of Exact Sciences
Classification: Uncertain significance for DOK7-related condition. Last evaluated: 2024-05-16. Review status: no assertion criteria provided. Collection method: clinical testing. Allele origin: germline. Not counted in ClinVar's aggregate classification.
Comment: The DOK7 c.742G>T variant is predicted to result in the amino acid substitution p.Gly248Trp. Of note, in the primary transcript listed in the Human Gene Mutation Database (NM_173660), this variant does not result in an amino acid change (c.753G>T, p.=). To our knowledge, this variant has not been reported in the literature. This variant is reported in 0.0041% of alleles in individuals of South Asian descent in gnomAD. At this time, the clinical significance of this variant is uncertain due to the absence of conclusive functional and genetic evidence.